The following is an entry in ClinVar:

NM_016562.4(TLR7):c.2686G>A (p.Val896Met)

Gene: TLR7 (toll like receptor 7; plus strand). Cytogenetic location: Xp22.2.
Variant type: single nucleotide variant.
Coding change: c.2686G>A on transcript NM_016562.4 (MANE Select); coding-DNA position 2686, G replaced by A.
Protein change: p.Val896Met; replaces valine 896 with methionine.
Molecular consequence: missense variant.
Genome position (GRCh38, 1-based): chrX:12,888,194, G>A. VCF-style: chrX-12888194-G-A. GRCh37 (hg19) VCF-style: chrX-12906313-G-A.
Other names: short protein forms V896M.
Identifiers: ClinVar variation 2188891 (VCV002188891.4), dbSNP rs1198069306, ClinGen allele CA412411329.

ClinVar aggregate classification (germline): Uncertain significance (1 of 4 stars; one submission).

Allele frequency attached by ClinVar (database versions not stated): gnomAD 0.00001; TOPMed 0.00001.
gnomAD v4.1: 7 of 1,210,004 alleles (0.00058%); highest among the groups gnomAD compares: Middle Eastern, 0.023%; no homozygotes.

Submission:

Labcorp Genetics (formerly Invitae), Labcorp
Classification: Uncertain significance. Last evaluated: 2022-10-24. Review status: criteria provided, single submitter. Criteria: Invitae Variant Classification Sherloc (09022015). Collection method: clinical testing. Allele origin: germline.
Comment: This sequence change replaces valine, which is neutral and non-polar, with methionine, which is neutral and non-polar, at codon 896 of the TLR7 protein (p.Val896Met). This variant is not present in population databases (gnomAD no frequency). This variant has not been reported in the literature in individuals affected with TLR7-related conditions. Algorithms developed to predict the effect of missense changes on protein structure and function are either unavailable or do not agree on the potential impact of this missense change (SIFT: "Deleterious"; PolyPhen-2: "Benign"; Align-GVGD: "Class C0"). In summary, the available evidence is currently insufficient to determine the role of this variant in disease. Therefore, it has been classified as a Variant of Uncertain Significance.